The following is an entry in ClinVar:

NM_005612.5(REST):c.2558A>G (p.Glu853Gly)

Gene: REST (RE1 silencing transcription factor; plus strand). Cytogenetic location: 4q12.
Variant type: single nucleotide variant.
Coding change: c.2558A>G on transcript NM_005612.5 (MANE Select); coding-DNA position 2558, A replaced by G.
Protein change: p.Glu853Gly; replaces glutamic acid 853 with glycine.
Molecular consequence: missense variant.
Genome position (GRCh38, 1-based): chr4:56,931,416, A>G. VCF-style: chr4-56931416-A-G. GRCh37 (hg19) VCF-style: chr4-57797582-A-G.
Other names: c.2558A>G, p.Glu853Gly (NM_001193508.2, NM_001363453.3); short protein forms E853G.
Identifiers: ClinVar variation 1398902 (VCV001398902.8), dbSNP rs1182521923, ClinGen allele CA357009043.
Genomic context (GRCh38, chr4:56,931,416, plus strand): 5'-AGGAGCAAGTCCTTATTGAAGTTGGCTTAGTGCCTGTTAAAGATAGCTGGCTTCTAAAGG[A>G]AAGTGTAAGCACAGAGGATCTCTCACCACCATCACCACCACTGCCAAAGGAAAATTTAAG-3'
Protein context (NP_005603.3, residues 843-863): VPVKDSWLLK[Glu853Gly]SVSTEDLSPP

ClinVar aggregate classification (germline): Uncertain significance (1 of 4 stars; one submission).

Allele frequency attached by ClinVar (database versions not stated): gnomAD exomes below 0.00001.

Submission:

Labcorp Genetics (formerly Invitae), Labcorp
Classification: Uncertain significance. Last evaluated: 2020-12-21. Review status: criteria provided, single submitter. Criteria: Invitae Variant Classification Sherloc (09022015). Collection method: clinical testing. Allele origin: germline.
Comment: This sequence change replaces glutamic acid with glycine at codon 853 of the REST protein (p.Glu853Gly). The glutamic acid residue is moderately conserved and there is a moderate physicochemical difference between glutamic acid and glycine. In summary, the available evidence is currently insufficient to determine the role of this variant in disease. Therefore, it has been classified as a Variant of Uncertain Significance. Algorithms developed to predict the effect of missense changes on protein structure and function (SIFT, PolyPhen-2, Align-GVGD) all suggest that this variant is likely to be tolerated, but these predictions have not been confirmed by published functional studies and their clinical significance is uncertain. This variant has not been reported in the literature in individuals with REST-related conditions. This variant is not present in population databases (ExAC no frequency).